The following is an entry in ClinVar:

ClinVar aggregate classification (germline): Pathogenic (1 of 4 stars; one submission).

Submission:

Labcorp Genetics (formerly Invitae), Labcorp
Classification: Pathogenic. Last evaluated: 2024-02-26. Review status: criteria provided, single submitter. Criteria: Invitae Variant Classification Sherloc (09022015). Collection method: clinical testing. Allele origin: germline.
Comment: This sequence change creates a premature translational stop signal (p.Met127Alafs*3) in the LAMB3 gene. It is expected to result in an absent or disrupted protein product. Loss-of-function variants in LAMB3 are known to be pathogenic (PMID: 11023379, 16473856). This variant is not present in population databases (gnomAD no frequency). This variant has not been reported in the literature in individuals affected with LAMB3-related conditions. For these reasons, this variant has been classified as Pathogenic.

Literature cited by the submitters: PubMed 11023379; PubMed 16473856.

NM_000228.3(LAMB3):c.378_387del (p.Met127fs)

Gene: LAMB3 (laminin subunit beta 3; minus strand). Cytogenetic location: 1q32.2.
Variant type: Deletion.
Coding change: c.378_387del on transcript NM_000228.3 (MANE Select); coding-DNA positions 378 to 387, 10 bases deleted (CATGCCCGCC; older notation c.378_387delCATGCCCGCC).
Protein change: p.Met127fs; shifts the reading frame from methionine 127.
Molecular consequence: frameshift variant.
Genome position (GRCh38, 1-based): chr1:209,634,624-209,634,633, GGCGGGCATG deleted on the plus strand (CATGCCCGCC on the coding strand, the reverse complement: LAMB3 is on the minus strand); deleting any 10 consecutive bases within chr1:209,634,624-209,634,636 gives the same sequence; the c. name uses the placement nearest the transcript's 3' end. VCF-style (leftmost placement, unchanged base first): chr1-209634623-CGGCGGGCATG-C. GRCh37 (hg19) VCF-style: chr1-209807968-CGGCGGGCATG-C.
Other names: c.378_387del, p.Met127fs (NM_001017402.2, NM_001127641.1); short protein forms M127fs.
Identifiers: ClinVar variation 2760994 (VCV002760994.3), dbSNP rs2464880681, ClinGen allele CA2697554895.